The following is an entry in ClinVar:

ClinVar aggregate classification (germline): Likely benign. Review status: criteria provided, multiple submitters, no conflicts (2 of 4 stars). 2 submissions from 2 submitters: Likely benign (2). Last evaluated 2025-02-27.

Conditions:
Multiple endocrine neoplasia, type 2 (MEN2). Identifiers: Orphanet 653, MedGen C4048306, MONDO:0019003. Disease mechanism: gain of function.
Multiple endocrine neoplasia type 2A. Also called: MULTIPLE ENDOCRINE NEOPLASIA, TYPE IIA; PTC SYNDROME; SIPPLE SYNDROME; MEN 2A; MEN-2A syndrome; Pheochromocytoma and amyloid producing medullary thyroid carcinoma. Identifiers: Orphanet 247698, Orphanet 653, MedGen C0025268, MeSH D018813, MONDO:0008234, OMIM 171400.

Allele frequency attached by ClinVar (database versions not stated): gnomAD exomes below 0.00001.

Submissions (2):

Myriad Genetics, Inc.
Classification: Likely benign for Multiple endocrine neoplasia type 2A. Last evaluated: 2025-02-27. Review status: criteria provided, single submitter. Criteria: Myriad Autosomal Dominant, Autosomal Recessive and X-Linked Classification Criteria (2023). Collection method: clinical testing. Allele origin: unknown.
Comment: This variant is considered likely benign. This variant is intronic and is not expected to impact mRNA splicing.

Labcorp Genetics (formerly Invitae), Labcorp
Classification: Likely benign for Multiple endocrine neoplasia, type 2. Last evaluated: 2024-06-04. Review status: criteria provided, single submitter. Criteria: Invitae Variant Classification Sherloc (09022015). Collection method: clinical testing. Allele origin: germline.

NM_020975.6(RET):c.2731-18A>G

Gene: RET (ret proto-oncogene; plus strand). Cytogenetic location: 10q11.21.
Variant type: single nucleotide variant.
Coding change: c.2731-18A>G on transcript NM_020975.6 (MANE Select); 18 bases into the intron before coding-DNA position 2731, A replaced by G.
Molecular consequence: intron variant.
Genome position (GRCh38, 1-based): chr10:43,121,928, A>G. VCF-style: chr10-43121928-A-G. GRCh37 (hg19) VCF-style: chr10-43617376-A-G.
Other names: c.2731-18A>G (NM_020630.7, NM_001406743.1, NM_001406744.1 and 2 more transcripts); c.2596-18A>G (NM_001406765.1, NM_001406763.1); c.2335-18A>G (NM_001406772.1, NM_001406769.1); c.2293-18A>G (NM_001406773.1, NM_001406771.1); c.1834-18A>G (NM_001406782.1, NM_001406780.1, NM_001406779.1 and 1 more transcripts); c.1699-18A>G (NM_001406787.1); c.1714-18A>G (NM_001406785.1); c.2602-18A>G (NM_001406764.1, NM_001406762.1, NM_001406761.1); and 10 more.
Identifiers: ClinVar variation 1570156 (VCV001570156.10), dbSNP rs2132983528, ClinGen allele CA2573145055.